The following is an entry in ClinVar:

NM_000168.6(GLI3):c.783C>T (p.Ala261=)

Gene: GLI3 (GLI family zinc finger 3; minus strand). Cytogenetic location: 7p14.1.
Variant type: single nucleotide variant.
Coding change: c.783C>T on transcript NM_000168.6 (MANE Select); coding-DNA position 783, C replaced by T.
Protein change: p.Ala261=; no amino-acid change (alanine 261 retained).
Molecular consequence: synonymous variant.
Genome position (GRCh38, 1-based): chr7:42,045,427, G>A on the plus strand (C>T on the coding strand, the complement: GLI3 is on the minus strand). VCF-style: chr7-42045427-G-A. GRCh37 (hg19) VCF-style: chr7-42085026-G-A.
Identifiers: ClinVar variation 910149 (VCV000910149.8), dbSNP rs748769754, ClinGen allele CA4231065.

ClinVar aggregate classification (germline): Benign/Likely benign. Review status: criteria provided, multiple submitters, no conflicts (2 of 4 stars). 5 submissions from 3 submitters: Benign (4); Likely benign (1). Last evaluated 2024-06-03.

Conditions:
Greig cephalopolysyndactyly syndrome (GCPS). Also called: GLI3-Related Greig Cephalopolysyndactyly Syndrome; Greig syndrome; POLYSYNDACTYLY WITH PECULIAR SKULL SHAPE. Identifiers: Orphanet 380, MedGen C0265306, MONDO:0008287, OMIM 175700.
Pallister-Hall syndrome (PHS). Also called: HYPOTHALAMIC HAMARTOBLASTOMA, HYPOPITUITARISM, IMPERFORATE ANUS, AND POSTAXIAL POLYDACTYLY; GLI3-Related Pallister-Hall Syndrome. Identifiers: Orphanet 672, MedGen C0265220, MONDO:0007804, OMIM 146510.
Polydactyly. Also called: polydactylism. Identifiers: MedGen C0152427, MONDO:0021003, OMIM 603596, HP:0010442.

Allele frequency attached by ClinVar (database versions not stated): gnomAD exomes 0.00002 and 0.00004; gnomAD 0.00003; ExAC 0.00004; TOPMed 0.00006.
gnomAD v4.1: 36 of 1,613,642 alleles (0.0022%); highest among the groups gnomAD compares: East Asian, 0.029%; no homozygotes.

Submissions (5):

Labcorp Genetics (formerly Invitae), Labcorp
Classification: Benign for Pallister-Hall syndrome; Greig cephalopolysyndactyly syndrome. Last evaluated: 2024-06-03. Review status: criteria provided, single submitter. Criteria: Invitae Variant Classification Sherloc (09022015). Collection method: clinical testing. Allele origin: germline.

Blueprint Genetics
Classification: Likely benign. Last evaluated: 2024-01-12. Review status: criteria provided, single submitter. Criteria: ACMG Guidelines, 2015. Collection method: clinical testing. Allele origin: germline.

Illumina Laboratory Services, Illumina
Classification: Benign for Greig cephalopolysyndactyly syndrome. Last evaluated: 2018-03-26. Review status: criteria provided, single submitter. Criteria: ICSL Variant Classification Criteria 13 December 2019. Collection method: clinical testing. Allele origin: germline.
Comment: This variant was observed in the ICSL laboratory as part of a predisposition screen in an ostensibly healthy population. It had not been previously curated by ICSL or reported in the Human Gene Mutation Database (HGMD: prior to June 1st, 2018), and was therefore a candidate for classification through an automated scoring system. Utilizing variant allele frequency, disease prevalence and penetrance estimates, and inheritance mode, an automated score was calculated to assess if this variant is too frequent to cause the disease. Based on the score and internal cut-off values, a variant classified as benign is not then subjected to further curation. The score for this variant resulted in a classification of benign for this disease.

Illumina Laboratory Services, Illumina
Classification: Benign for Polydactyly. Last evaluated: 2018-03-26. Review status: criteria provided, single submitter. Criteria: ICSL Variant Classification Criteria 13 December 2019. Collection method: clinical testing. Allele origin: germline.
Comment: the same text as in the submission from Illumina Laboratory Services, Illumina above.

Illumina Laboratory Services, Illumina
Classification: Benign for Pallister-Hall syndrome. Last evaluated: 2018-03-26. Review status: criteria provided, single submitter. Criteria: ICSL Variant Classification Criteria 13 December 2019. Collection method: clinical testing. Allele origin: germline.
Comment: the same text as in the submission from Illumina Laboratory Services, Illumina above.